The following is an entry in ClinVar:

ClinVar aggregate classification (germline): Benign/Likely benign. Review status: criteria provided, multiple submitters, no conflicts (2 of 4 stars). 5 submissions from 5 submitters: Benign (2); Likely benign (3). Last evaluated 2025-12-20.

Conditions:
CST3-related condition.

Allele frequency attached by ClinVar (database versions not stated): gnomAD exomes 0.00064; ExAC 0.00073; gnomAD 0.00235 and 0.00246; ESP Exome Variant Server 0.00246; TOPMed 0.00274; 1000 Genomes Project 30x 0.00328; 1000 Genomes Project 0.00339.
gnomAD v4.1: 747 of 1,614,106 alleles (0.046%); highest among the groups gnomAD compares: African/African-American, 0.87%; no homozygotes.

Submissions (5):

Labcorp Genetics (formerly Invitae), Labcorp
Classification: Benign. Last evaluated: 2025-12-20. Review status: criteria provided, single submitter. Criteria: Invitae Variant Classification Sherloc (09022015). Collection method: clinical testing. Allele origin: germline.

PreventionGenetics, part of Exact Sciences
Classification: Benign for CST3-related condition. Last evaluated: 2025-11-28. Review status: criteria provided, single submitter. Criteria: ACMG Guidelines, 2015. Collection method: clinical testing. Allele origin: germline.
Comment: This variant is classified as benign based on ACMG/AMP sequence variant interpretation guidelines (Richards et al. 2015 PMID: 25741868, with internal and published modifications).

Mayo Clinic Laboratories, Mayo Clinic
Classification: Likely benign. Last evaluated: 2025-04-02. Review status: criteria provided, single submitter. Criteria: ACMG Guidelines, 2015. Collection method: clinical testing. Allele origin: germline. Observed: 1 variant allele.
Comment: BP4, BP7

Genetic Services Laboratory, University of Chicago
Classification: Likely benign. Last evaluated: 2021-10-01. Review status: criteria provided, single submitter. Criteria: ACMG Guidelines, 2015. Collection method: clinical testing. Allele origin: germline. Affected: no.

Breakthrough Genomics
Classification: Likely benign. Review status: criteria provided, single submitter. Criteria: ACMG Guidelines, 2015. Collection method: not provided. Allele origin: germline. Inheritance: Autosomal dominant inheritance. Affected: yes.

NM_000099.4(CST3):c.417G>A (p.Ser139=)

Gene: CST3 (cystatin C; minus strand). Cytogenetic location: 20p11.21.
Variant type: single nucleotide variant.
Coding change: c.417G>A on transcript NM_000099.4 (MANE Select); coding-DNA position 417, G replaced by A.
Protein change: p.Ser139=; no amino-acid change (serine 139 retained).
Molecular consequence: synonymous variant.
Genome position (GRCh38, 1-based): chr20:23,633,940, C>T on the plus strand (G>A on the coding strand, the complement: CST3 is on the minus strand). VCF-style: chr20-23633940-C-T. GRCh37 (hg19) VCF-style: chr20-23614577-C-T.
Other names: p.Ser139=; c.417G>A, p.Ser139= (NM_001288614.2).
Identifiers: ClinVar variation 728906 (VCV000728906.15), dbSNP rs77000936, ClinGen allele CA9790167.